The following is an entry in ClinVar:

NM_004006.3(DMD):c.1494A>T (p.Glu498Asp)

Gene: DMD (dystrophin; minus strand). Cytogenetic location: Xp21.1.
Variant type: single nucleotide variant.
Coding change: c.1494A>T on transcript NM_004006.3 (MANE Select); coding-DNA position 1494, A replaced by T.
Protein change: p.Glu498Asp; replaces glutamic acid 498 with aspartic acid.
Molecular consequence: missense variant.
Genome position (GRCh38, 1-based): chrX:32,595,865, T>A on the plus strand (A>T on the coding strand, the complement: DMD is on the minus strand). VCF-style: chrX-32595865-T-A. GRCh37 (hg19) VCF-style: chrX-32613982-T-A.
Other names: c.1470A>T, p.Glu490Asp (NM_000109.4); c.1482A>T, p.Glu494Asp (NM_004009.3); c.1125A>T, p.Glu375Asp (NM_004010.3); short protein forms E375D, E494D, E498D, E490D.
Identifiers: ClinVar variation 2883885 (VCV002883885.3), dbSNP rs2518924438, ClinGen allele CA412665764.
Genomic context (GRCh38, chrX:32,595,865, plus strand): 5'-ATCAACTACCACCACCATGTGAGTGAGAGAATTGACCCTGACTTGTTCTTGTTCTAGATC[T>A]TCTTGAAGCACCTGAAAGATAAAATGTTTTAAAGGAAATTAAAATGATATTCTTACATGT-3'
Protein context (NP_003997.2, residues 488-508): RQVQQHKVLQ[Glu498Asp]DLEQEQVRVN

ClinVar aggregate classification (germline): Uncertain significance (1 of 4 stars; one submission).

Conditions:
Duchenne muscular dystrophy (DMD). Also called: MUSCULAR DYSTROPHY, PSEUDOHYPERTROPHIC PROGRESSIVE, DUCHENNE TYPE; Duchenne Muscular Dystrophy (DMD). Identifiers: Orphanet 98896, MedGen C0013264, MONDO:0010679, OMIM 310200.

Submission:

Labcorp Genetics (formerly Invitae), Labcorp
Classification: Uncertain significance for Duchenne muscular dystrophy. Last evaluated: 2023-09-25. Review status: criteria provided, single submitter. Criteria: Invitae Variant Classification Sherloc (09022015). Collection method: clinical testing. Allele origin: germline.
Comment: In summary, the available evidence is currently insufficient to determine the role of this variant in disease. Therefore, it has been classified as a Variant of Uncertain Significance. Advanced modeling of protein sequence and biophysical properties (such as structural, functional, and spatial information, amino acid conservation, physicochemical variation, residue mobility, and thermodynamic stability) performed at Invitae indicates that this missense variant is not expected to disrupt DMD protein function. This variant has not been reported in the literature in individuals affected with DMD-related conditions. This variant is not present in population databases (gnomAD no frequency). This sequence change replaces glutamic acid, which is acidic and polar, with aspartic acid, which is acidic and polar, at codon 498 of the DMD protein (p.Glu498Asp).